The following is an entry in ClinVar:

NM_007327.4(GRIN1):c.1485G>C (p.Lys495Asn)

Gene: GRIN1 (glutamate ionotropic receptor NMDA type subunit 1; plus strand). Cytogenetic location: 9q34.3.
Variant type: single nucleotide variant.
Coding change: c.1485G>C on transcript NM_007327.4 (MANE Select); coding-DNA position 1485, G replaced by C.
Protein change: p.Lys495Asn; replaces lysine 495 with asparagine.
Molecular consequence: missense variant.
Genome position (GRCh38, 1-based): chr9:137,161,941, G>C. VCF-style: chr9-137161941-G-C. GRCh37 (hg19) VCF-style: chr9-140056393-G-C.
Other names: c.1485G>C, p.Lys495Asn (NM_000832.7, NM_021569.4); c.1548G>C, p.Lys516Asn (NM_001185090.2, NM_001185091.2); short protein forms K495N, K516N.
Identifiers: ClinVar variation 1312791 (VCV001312791.10), dbSNP rs779906300, ClinGen allele CA5360957.

ClinVar aggregate classification (germline): Conflicting classifications of pathogenicity. Review status: criteria provided, conflicting classifications (1 of 4 stars). 2 submissions from 2 submitters: Uncertain significance (1); Likely benign (1). Last evaluated 2024-08-11.

Conditions:
Neurodevelopmental disorder with or without hyperkinetic movements and seizures, autosomal dominant. Also called: Intellectual disability, autosomal dominant 8. Identifiers: MedGen C3280282, MONDO:0013655, OMIM 614254.

Allele frequency attached by ClinVar (database versions not stated): gnomAD exomes below 0.00001 and 0.00001; gnomAD 0.00001; TOPMed 0.00001; ExAC 0.00005.
gnomAD v4.1: 3 of 1,564,248 alleles (0.00019%); highest among the groups gnomAD compares: African/African-American, 0.0041%; no homozygotes.

Submissions (2):

Labcorp Genetics (formerly Invitae), Labcorp
Classification: Likely benign for Neurodevelopmental disorder with or without hyperkinetic movements and seizures, autosomal dominant. Last evaluated: 2024-08-11. Review status: criteria provided, single submitter. Criteria: Invitae Variant Classification Sherloc (09022015). Collection method: clinical testing. Allele origin: germline.

GeneDx
Classification: Uncertain significance. Last evaluated: 2023-10-04. Review status: criteria provided, single submitter. Criteria: GeneDx Variant Classification Process June 2021. Collection method: clinical testing. Allele origin: germline. Affected: yes.
Comment: In silico analysis supports that this missense variant has a deleterious effect on protein structure/function; Has not been previously published as pathogenic or benign to our knowledge